The following is an entry in ClinVar:

NM_000143.4(FH):c.24C>G (p.Leu8=)

Gene: FH (fumarate hydratase; minus strand). Cytogenetic location: 1q43.
Variant type: single nucleotide variant.
Coding change: c.24C>G on transcript NM_000143.4 (MANE Select); coding-DNA position 24, C replaced by G.
Protein change: p.Leu8=; no amino-acid change (leucine 8 retained).
Molecular consequence: synonymous variant.
Genome position (GRCh38, 1-based): chr1:241,519,699, G>C on the plus strand (C>G on the coding strand, the complement: FH is on the minus strand). VCF-style: chr1-241519699-G-C. GRCh37 (hg19) VCF-style: chr1-241682999-G-C.
Identifiers: ClinVar variation 3515080 (VCV003515080.3).

ClinVar aggregate classification (germline): Benign/Likely benign. Review status: criteria provided, multiple submitters, no conflicts (2 of 4 stars). 3 submissions from 3 submitters: Benign (1); Likely benign (2). Last evaluated 2025-05-11.

Conditions:
Hereditary leiomyomatosis and renal cell cancer. Also called: MULTIPLE CUTANEOUS AND UTERINE LEIOMYOMATA 1, WITH OR WITHOUT RENAL CELL CARCINOMA; LEIOMYOMA, MULTIPLE CUTANEOUS; Reed syndrome; Multiple cutaneous and uterine leiomyomatosis; Cutaneous leiomyomata with uterine leiomyomata; Leiomyoma, hereditary multiple, of skin. Identifiers: Orphanet 523, MedGen C1708350, MONDO:0007888, OMIM 150800, HP:0007437. Disease mechanism: loss of function.
Hereditary cancer-predisposing syndrome. Also called: Neoplastic Syndromes, Hereditary; Tumor predisposition; Hereditary Cancer Syndrome; Hereditary neoplastic syndrome. Identifiers: Orphanet 140162, MedGen C0027672, MeSH D009386, MONDO:0015356.

Submissions (3):

Labcorp Genetics (formerly Invitae), Labcorp
Classification: Likely benign. Last evaluated: 2025-05-11. Review status: criteria provided, single submitter. Criteria: Invitae Variant Classification Sherloc (09022015). Collection method: clinical testing. Allele origin: germline.

Myriad Genetics, Inc.
Classification: Benign for Hereditary leiomyomatosis and renal cell cancer. Last evaluated: 2024-10-17. Review status: criteria provided, single submitter. Criteria: Myriad Autosomal Dominant, Autosomal Recessive and X-Linked Classification Criteria (2023). Collection method: clinical testing. Allele origin: unknown.
Comment: This variant is considered benign. This variant is a silent/synonymous amino acid change and it is not expected to impact splicing.

Ambry Genetics
Classification: Likely benign for Hereditary cancer-predisposing syndrome. Last evaluated: 2024-06-30. Review status: criteria provided, single submitter. Criteria: Ambry Variant Classification Scheme 2023. Collection method: clinical testing. Allele origin: germline.